The following is an entry in ClinVar:

NM_001174147.2(LMX1B):c.217del (p.Glu73fs)

Gene: LMX1B (LIM homeobox transcription factor 1 beta; plus strand). Cytogenetic location: 9q33.3.
Variant type: Deletion.
Coding change: c.217del on transcript NM_001174147.2 (MANE Select); coding-DNA position 217, one base deleted (G; older notation c.217delG).
Protein change: p.Glu73fs; shifts the reading frame from glutamic acid 73.
Molecular consequence: frameshift variant.
Genome position (GRCh38, 1-based): chr9:126,615,460, G deleted. VCF-style (leftmost placement, unchanged base first): chr9-126615459-CG-C. GRCh37 (hg19) VCF-style: chr9-129377738-CG-C.
Other names: c.217del, p.Glu73fs (NM_001174146.2, NM_002316.4); short protein forms E73fs.
Identifiers: ClinVar variation 1453257 (VCV001453257.6), dbSNP rs2118823413, ClinGen allele CA2573144036.

ClinVar aggregate classification (germline): Pathogenic (1 of 4 stars; one submission).

Submission:

Labcorp Genetics (formerly Invitae), Labcorp
Classification: Pathogenic. Last evaluated: 2021-03-30. Review status: criteria provided, single submitter. Criteria: Invitae Variant Classification Sherloc (09022015). Collection method: clinical testing. Allele origin: germline.
Comment: This variant has not been reported in the literature in individuals with LMX1B-related conditions. This variant is not present in population databases (ExAC no frequency). This sequence change creates a premature translational stop signal (p.Glu73Serfs*56) in the LMX1B gene. It is expected to result in an absent or disrupted protein product. Loss-of-function variants in LMX1B are known to be pathogenic (PMID: 9590287, 15498463). For these reasons, this variant has been classified as Pathogenic.

Literature cited by the submitters: PubMed 9590287; PubMed 15498463.